The following is an entry in ClinVar:

ClinVar aggregate classification (germline): Likely benign. Review status: criteria provided, multiple submitters, no conflicts (2 of 4 stars). 2 submissions from 2 submitters: Likely benign (2). Last evaluated 2025-12-30.

Conditions:
CHD7-related disorder. Also called: CHD7-related condition.
CHARGE syndrome (CHARGE). Also called: Coloboma, heart anomaly, choanal atresia, retardation, genital and ear anomalies; CHARGE association; Hall-Hittner syndrome; Hittner Hirsch Kreh syndrome; CHARGE ASSOCIATION--COLOBOMA, HEART ANOMALY, CHOANAL ATRESIA, RETARDATION, GENITAL AND EAR ANOMALIES. Identifiers: Orphanet 138, MedGen C0265354, MONDO:0008965.

Allele frequency attached by ClinVar (database versions not stated): ExAC 0.00002; gnomAD exomes 0.00003.
gnomAD v4.1: 67 of 1,611,752 alleles (0.0042%); highest among the groups gnomAD compares: Middle Eastern, 0.016%; no homozygotes.

Submissions (2):

Labcorp Genetics (formerly Invitae), Labcorp
Classification: Likely benign for CHARGE syndrome. Last evaluated: 2025-12-30. Review status: criteria provided, single submitter. Criteria: Invitae Variant Classification Sherloc (09022015). Collection method: clinical testing. Allele origin: germline.

PreventionGenetics, part of Exact Sciences
Classification: Likely benign for CHD7-related condition. Last evaluated: 2025-03-24. Review status: criteria provided, single submitter. Criteria: ACMG Guidelines, 2015. Collection method: clinical testing. Allele origin: germline.
Comment: This variant is classified as likely benign based on ACMG/AMP sequence variant interpretation guidelines (Richards et al. 2015 PMID: 25741868, with internal and published modifications).

NM_017780.4(CHD7):c.8802C>T (p.Ser2934=)

Gene: CHD7 (chromodomain helicase DNA binding protein 7; plus strand). Cytogenetic location: 8q12.2.
Variant type: single nucleotide variant.
Coding change: c.8802C>T on transcript NM_017780.4 (MANE Select); coding-DNA position 8802, C replaced by T.
Protein change: p.Ser2934=; no amino-acid change (serine 2934 retained).
Molecular consequence: synonymous variant.
Genome position (GRCh38, 1-based): chr8:60,865,741, C>T. VCF-style: chr8-60865741-C-T. GRCh37 (hg19) VCF-style: chr8-61778300-C-T.
Other names: c.2655C>T, p.Ser885= (NM_001316690.1); c.8802C>T (NM_017780.3).
Identifiers: ClinVar variation 1633721 (VCV001633721.9), dbSNP rs778908675, ClinGen allele CA4761076.